The following is an entry in ClinVar:

ClinVar aggregate classification (germline): Uncertain significance (1 of 4 stars; one submission).

Conditions:
Intellectual disability. Also called: Intellectual functioning disability; Intellectual developmental disorder; intellectual disabilities. Identifiers: MedGen C3714756, MeSH D008607, MONDO:0001071, HP:0001249.

Allele frequency attached by ClinVar (database versions not stated): TOPMed 0.00002; gnomAD exomes 0.00001 and 0.00003; gnomAD 0.00003 and 0.00002; ExAC 0.00002.
gnomAD v4.1: 50 of 1,614,066 alleles (0.0031%); highest among the groups gnomAD compares: Non-Finnish European, 0.0042%; no homozygotes.

Submission:

Labcorp Genetics (formerly Invitae), Labcorp
Classification: Uncertain significance for Intellectual disability. Last evaluated: 2025-10-28. Review status: criteria provided, single submitter. Criteria: Invitae Variant Classification Sherloc (09022015). Collection method: clinical testing. Allele origin: germline.
Comment: This sequence change replaces arginine, which is basic and polar, with threonine, which is neutral and polar, at codon 333 of the GABRB2 protein (p.Arg333Thr). This variant is present in population databases (rs776801560, gnomAD 0.003%). This variant has not been reported in the literature in individuals affected with GABRB2-related conditions. ClinVar contains an entry for this variant (Variation ID: 1057820). Invitae Evidence Modeling of protein sequence and biophysical properties (such as structural, functional, and spatial information, amino acid conservation, physicochemical variation, residue mobility, and thermodynamic stability) indicates that this missense variant is not expected to disrupt GABRB2 protein function with a negative predictive value of 95%. In summary, the available evidence is currently insufficient to determine the role of this variant in disease. Therefore, it has been classified as a Variant of Uncertain Significance.

NM_001371727.1(GABRB2):c.998G>C (p.Arg333Thr)

Gene: GABRB2 (gamma-aminobutyric acid type A receptor subunit beta2; minus strand). Cytogenetic location: 5q34.
Variant type: single nucleotide variant.
Coding change: c.998G>C on transcript NM_001371727.1 (MANE Select); coding-DNA position 998, G replaced by C.
Protein change: p.Arg333Thr; replaces arginine 333 with threonine.
Molecular consequence: missense variant.
Genome position (GRCh38, 1-based): chr5:161,330,962, C>G on the plus strand (G>C on the coding strand, the complement: GABRB2 is on the minus strand). VCF-style: chr5-161330962-C-G. GRCh37 (hg19) VCF-style: chr5-160757969-C-G.
Other names: c.998G>C, p.Arg333Thr (NM_000813.3, NM_021911.3); short protein forms R333T.
Identifiers: ClinVar variation 1057820 (VCV001057820.9), dbSNP rs776801560, ClinGen allele CA3543452.